The following is an entry in ClinVar:

ClinVar aggregate classification (germline): Uncertain significance. Review status: criteria provided, multiple submitters, no conflicts (2 of 4 stars). 3 submissions from 3 submitters: Uncertain significance (3). Last evaluated 2024-04-03.

Conditions:
Inborn genetic diseases. Identifiers: MedGen C0950123, MeSH D030342.

Allele frequency attached by ClinVar (database versions not stated): gnomAD 0.00001; gnomAD exomes 0.00002; TOPMed 0.00003; ExAC 0.00012.
gnomAD v4.1: 30 of 1,583,452 alleles (0.0019%); highest among the groups gnomAD compares: Admixed American, 0.0036%; no homozygotes.

Submissions (3):

Labcorp Genetics (formerly Invitae), Labcorp
Classification: Uncertain significance. Last evaluated: 2024-04-03. Review status: criteria provided, single submitter. Criteria: Invitae Variant Classification Sherloc (09022015). Collection method: clinical testing. Allele origin: germline.
Comment: This sequence change replaces proline, which is neutral and non-polar, with leucine, which is neutral and non-polar, at codon 51 of the LONP1 protein (p.Pro51Leu). The frequency data for this variant in the population databases is considered unreliable, as metrics indicate poor data quality at this position in the gnomAD database. This variant has not been reported in the literature in individuals affected with LONP1-related conditions. ClinVar contains an entry for this variant (Variation ID: 2363276). An algorithm developed to predict the effect of missense changes on protein structure and function (PolyPhen-2) suggests that this variant is likely to be tolerated. In summary, the available evidence is currently insufficient to determine the role of this variant in disease. Therefore, it has been classified as a Variant of Uncertain Significance.

Blueprint Genetics
Classification: Uncertain significance. Last evaluated: 2024-02-09. Review status: criteria provided, single submitter. Criteria: ACMG Guidelines, 2015. Collection method: clinical testing. Allele origin: germline.

Ambry Genetics
Classification: Uncertain significance for Inborn genetic diseases. Last evaluated: 2021-06-11. Review status: criteria provided, single submitter. Criteria: Ambry Variant Classification Scheme 2023. Collection method: clinical testing. Allele origin: germline.

NM_004793.4(LONP1):c.152C>T (p.Pro51Leu)

Gene: LONP1 (lon peptidase 1, mitochondrial; minus strand). Cytogenetic location: 19p13.3.
Variant type: single nucleotide variant.
Coding change: c.152C>T on transcript NM_004793.4 (MANE Select); coding-DNA position 152, C replaced by T.
Protein change: p.Pro51Leu; replaces proline 51 with leucine.
Molecular consequence: missense variant. On other transcripts: intron variant (2).
Genome position (GRCh38, 1-based): chr19:5,719,981, G>A on the plus strand (C>T on the coding strand, the complement: LONP1 is on the minus strand). VCF-style: chr19-5719981-G-A. GRCh37 (hg19) VCF-style: chr19-5719992-G-A.
Other names: c.-160+238C>T (NM_001276480.1); c.124+28C>T (NM_001276479.2); short protein forms P51L.
Identifiers: ClinVar variation 2363276 (VCV002363276.6), dbSNP rs759451701, ClinGen allele CA9115226.